The following is an entry in ClinVar:

NM_005334.3(HCFC1):c.985G>A (p.Ala329Thr)

Gene: HCFC1 (host cell factor C1; minus strand). Cytogenetic location: Xq28.
Variant type: single nucleotide variant.
Coding change: c.985G>A on transcript NM_005334.3 (MANE Select); coding-DNA position 985, G replaced by A.
Protein change: p.Ala329Thr; replaces alanine 329 with threonine.
Molecular consequence: missense variant.
Genome position (GRCh38, 1-based): chrX:153,960,334, C>T on the plus strand (G>A on the coding strand, the complement: HCFC1 is on the minus strand). VCF-style: chrX-153960334-C-T. GRCh37 (hg19) VCF-style: chrX-153225785-C-T.
Other names: short protein forms A329T.
Identifiers: ClinVar variation 1310425 (VCV001310425.2), dbSNP rs1557116478, ClinGen allele CA415144796.

ClinVar aggregate classification (germline): Uncertain significance (1 of 4 stars; one submission).

Allele frequency attached by ClinVar (database versions not stated): TOPMed below 0.00001; gnomAD exomes 0.00001.
gnomAD v4.1: 8 of 1,202,737 alleles (0.00067%); highest among the groups gnomAD compares: African/African-American, 0.0017%; no homozygotes.

Submission:

GeneDx
Classification: Uncertain significance. Last evaluated: 2019-11-21. Review status: criteria provided, single submitter. Criteria: GeneDx Variant Classification Process June 2021. Collection method: clinical testing. Allele origin: germline. Affected: yes.
Comment: Not observed in large population cohorts (Lek et al., 2016); In silico analysis, which includes protein predictors and evolutionary conservation, supports a deleterious effect; Has not been previously published as pathogenic or benign to our knowledge